The following is an entry in ClinVar:

ClinVar aggregate classification (germline): Uncertain significance (1 of 4 stars; one submission).

Submission:

GeneDx
Classification: Uncertain significance. Last evaluated: 2023-12-25. Review status: criteria provided, single submitter. Criteria: GeneDx Variant Classification Process June 2021. Collection method: clinical testing. Allele origin: germline. Affected: yes.
Comment: Not observed at significant frequency in large population cohorts (gnomAD); In silico analysis supports that this missense variant does not alter protein structure/function; Has not been previously published as pathogenic or benign to our knowledge

NM_006265.3(RAD21):c.857C>G (p.Pro286Arg)

Gene: RAD21 (RAD21 cohesin complex component; minus strand). Cytogenetic location: 8q24.11.
Variant type: single nucleotide variant.
Coding change: c.857C>G on transcript NM_006265.3 (MANE Select); coding-DNA position 857, C replaced by G.
Protein change: p.Pro286Arg; replaces proline 286 with arginine.
Molecular consequence: missense variant.
Genome position (GRCh38, 1-based): chr8:116,856,246, G>C on the plus strand (C>G on the coding strand, the complement: RAD21 is on the minus strand). VCF-style: chr8-116856246-G-C. GRCh37 (hg19) VCF-style: chr8-117868485-G-C.
Other names: short protein forms P286R.
Identifiers: ClinVar variation 3370167 (VCV003370167.1).